The following is an entry in ClinVar:

NM_002878.4(RAD51D):c.739-3C>T

Genes: RAD51L3-RFFL (RAD51L3-RFFL readthrough; minus strand), RAD51D (RAD51 paralog D; minus strand). Cytogenetic location: 17q12.
Variant type: single nucleotide variant.
Coding change: c.739-3C>T on transcript NM_002878.4 (MANE Select); 3 bases into the intron before coding-DNA position 739, C replaced by T.
Molecular consequence: intron variant.
Genome position (GRCh38, 1-based): chr17:35,101,368, G>A on the plus strand (C>T on the coding strand, the complement: RAD51D is on the minus strand). VCF-style: chr17-35101368-G-A. GRCh37 (hg19) VCF-style: chr17-33428387-G-A.
Other names: c.403-3C>T (NM_133629.3); c.799-3C>T (NM_001142571.2).
Identifiers: ClinVar variation 484774 (VCV000484774.14), dbSNP rs1235042092, ClinGen allele CA625782463.

ClinVar aggregate classification (germline): Conflicting classifications of pathogenicity. Review status: criteria provided, conflicting classifications (1 of 4 stars). 6 submissions from 6 submitters: Uncertain significance (2); Likely benign (3). 1 of the submissions does not count toward it. Last evaluated 2025-12-17.

Conditions:
RAD51D-related cancer predisposition. Identifiers: MedGen CN377763, MONDO:0700274.
Hereditary cancer-predisposing syndrome. Also called: Neoplastic Syndromes, Hereditary; Tumor predisposition; Hereditary Cancer Syndrome; Hereditary neoplastic syndrome. Identifiers: Orphanet 140162, MedGen C0027672, MeSH D009386, MONDO:0015356.
Breast-ovarian cancer, familial, susceptibility to, 4. Identifiers: Orphanet 145, MedGen C3280345, MONDO:0013669, OMIM 614291.

Allele frequency attached by ClinVar (database versions not stated): gnomAD exomes below 0.00001; gnomAD 0.00001; TOPMed 0.00002.
gnomAD v4.1: 8 of 1,613,202 alleles (0.0005%); highest among the groups gnomAD compares: East Asian, 0.0022%; no homozygotes.

Submissions (6):

Labcorp Genetics (formerly Invitae), Labcorp
Classification: Likely benign for Breast-ovarian cancer, familial, susceptibility to, 4. Last evaluated: 2025-12-17. Review status: criteria provided, single submitter. Criteria: Invitae Variant Classification Sherloc (09022015). Collection method: clinical testing. Allele origin: germline.

Department of Pathology and Laboratory Medicine, Sinai Health System
Classification: Uncertain significance for RAD51D-related cancer predisposition. Last evaluated: 2024-07-19. Review status: criteria provided, single submitter. Criteria: ACMG Guidelines, 2015. Collection method: clinical testing. Allele origin: germline.

Myriad Genetics, Inc.
Classification: Uncertain significance for Breast-ovarian cancer, familial, susceptibility to, 4. Last evaluated: 2023-04-06. Review status: criteria provided, single submitter. Criteria: Myriad Autosomal Dominant, Autosomal Recessive and X-Linked Classification Criteria (2023). Collection method: clinical testing. Allele origin: unknown.
Comment: This variant is classified as a variant of uncertain significance as there is insufficient evidence to determine its impact on protein function and/or cancer risk.

Ambry Genetics
Classification: Likely benign for Hereditary cancer-predisposing syndrome. Last evaluated: 2020-01-14. Review status: criteria provided, single submitter. Criteria: Ambry Variant Classification Scheme 2023. Collection method: clinical testing. Allele origin: germline.

Color Diagnostics, LLC DBA Color Health
Classification: Likely benign for Hereditary cancer-predisposing syndrome. Last evaluated: 2017-02-21. Review status: criteria provided, single submitter. Criteria: ACMG Guidelines, 2015. Collection method: clinical testing. Allele origin: germline.

Counsyl
Classification: Uncertain significance for Breast-ovarian cancer, familial, susceptibility to, 4. Last evaluated: 2018-05-04. Review status: no assertion criteria provided. Collection method: clinical testing. Allele origin: unknown. Not counted in ClinVar's aggregate classification.

Literature cited by the submitters: PubMed 28135145 (cited by Department of Pathology and Laboratory Medicine, Sinai Health System and Counsyl).